The following is an entry in ClinVar:

ClinVar aggregate classification (germline): Uncertain significance. Review status: criteria provided, multiple submitters, no conflicts (2 of 4 stars). 2 submissions from 2 submitters: Uncertain significance (2). Last evaluated 2026-01-14.

Conditions:
Leukodystrophy, hypomyelinating, 9. Identifiers: Orphanet 438114, MedGen C4015323, MONDO:0014506, OMIM 616140.

Allele frequency attached by ClinVar (database versions not stated): gnomAD exomes 0.00002 and 0.00009; TOPMed 0.00003; gnomAD 0.00004 and 0.00009; ESP Exome Variant Server 0.00008; ExAC 0.00011; 1000 Genomes Project 30x 0.00109; 1000 Genomes Project 0.00120.

Submissions (2):

Labcorp Genetics (formerly Invitae), Labcorp
Classification: Uncertain significance. Last evaluated: 2026-01-14. Review status: criteria provided, single submitter. Criteria: Invitae Variant Classification Sherloc (09022015). Collection method: clinical testing. Allele origin: germline.
Comment: This sequence change replaces alanine, which is neutral and non-polar, with valine, which is neutral and non-polar, at codon 91 of the RARS protein (p.Ala91Val). This variant is present in population databases (rs150568331, gnomAD 0.07%). This variant has not been reported in the literature in individuals affected with RARS-related conditions. ClinVar contains an entry for this variant (Variation ID: 1680407). Invitae Evidence Modeling of protein sequence and biophysical properties (such as structural, functional, and spatial information, amino acid conservation, physicochemical variation, residue mobility, and thermodynamic stability) indicates that this missense variant is not expected to disrupt RARS protein function with a negative predictive value of 80%. In summary, the available evidence is currently insufficient to determine the role of this variant in disease. Therefore, it has been classified as a Variant of Uncertain Significance.

Victorian Clinical Genetics Services, Murdoch Childrens Research Institute
Classification: Uncertain significance for Leukodystrophy, hypomyelinating, 9. Last evaluated: 2020-10-19. Review status: criteria provided, single submitter. Criteria: ACMG Guidelines, 2015. Collection method: clinical testing. Allele origin: germline. Inheritance: Autosomal recessive inheritance.
Comment: Based on the classification scheme VCGS_Germline_v1.1.1, this variant is classified as 3C-VUS. Following criteria are met: 0102 - Loss-of-function is a likely mechanism of disease for this gene. (N) 0106 - This gene is known to be associated with autosomal recessive disease. (N) 0200 - Variant is predicted to result in a missense amino acid change from alanine to valine (exon 3). (N) 0251 - Variant is heterozygous. (N) 0304 - Variant is present in gnomAD <0.01 for a recessive condition (v3: 8 Heterozygotes, 1 Homozygote). (P) 0502 - Missense variant with conflicting in silico predictions and uninformative conservation. (N) 0600 - Variant is located in an annotated domain or motif. The variant is located in the Arginyl tRNA synthetase N terminal domain (NCBI conserved domain). (N) 0705 - No comparable variants have previous evidence for pathogenicity. (N) 0807 - Variant has not previously been reported in a clinical context. (N) 0905 - No segregation evidence has been identified for this variant in the literature. (N) 1007 - No published functional evidence has been identified for this variant. (N) 1208 - Inheritance information for this variant is not currently available. (N) Legend: (P) - Pathogenic, (N) - Neutral, (B) - Benign

NM_002887.4(RARS1):c.272C>T (p.Ala91Val)

Gene: RARS1 (arginyl-tRNA synthetase 1; plus strand). Cytogenetic location: 5q34.
Variant type: single nucleotide variant.
Coding change: c.272C>T on transcript NM_002887.4 (MANE Select); coding-DNA position 272, C replaced by T.
Protein change: p.Ala91Val; replaces alanine 91 with valine.
Molecular consequence: missense variant.
Genome position (GRCh38, 1-based): chr5:168,492,750, C>T. VCF-style: chr5-168492750-C-T. GRCh37 (hg19) VCF-style: chr5-167919755-C-T.
Other names: short protein forms A91V.
Identifiers: ClinVar variation 1680407 (VCV001680407.6), dbSNP rs150568331, ClinGen allele CA3549565.